The following is an entry in ClinVar:

NR_033294.2(SNORD118):n.94G>A

Genes: TMEM107 (transmembrane protein 107; minus strand), SNORD118 (small nucleolar RNA, C/D box 118; minus strand). Cytogenetic location: 17p13.1.
Variant type: single nucleotide variant.
Molecular consequence: non-coding transcript variant (on NR_033294.2). On other transcripts: 3 prime UTR variant (5).
Genome position: GRCh38 VCF-style: chr17-8173495-C-T. GRCh37 (hg19) VCF-style: chr17-8076813-C-T.
Other names: c.*708G>A (NM_001351278.2, NM_001351279.2, NM_001351280.2 and 2 more transcripts).
Identifiers: ClinVar variation 1898519 (VCV001898519.30), dbSNP rs908661294, ClinGen allele CA287524135.

ClinVar aggregate classification (germline): Uncertain significance. Review status: criteria provided, multiple submitters, no conflicts (2 of 4 stars). 2 submissions from 2 submitters: Uncertain significance (2). Last evaluated 2023-09-01.

gnomAD v4.1: 15 of 765,036 alleles (0.002%); highest among the groups gnomAD compares: Non-Finnish European, 0.0031%; no homozygotes.

Submissions (2):

CeGaT Center for Human Genetics Tuebingen
Classification: Uncertain significance. Last evaluated: 2023-09-01. Review status: criteria provided, single submitter. Criteria: CeGaT Center For Human Genetics Tuebingen Variant Classification Criteria Version 2. Collection method: clinical testing. Allele origin: germline. Affected: yes. Observed: 2 variant alleles.
Comment: SNORD118: PM2, PP4

Labcorp Genetics (formerly Invitae), Labcorp
Classification: Uncertain significance. Last evaluated: 2022-04-06. Review status: criteria provided, single submitter. Criteria: Invitae Variant Classification Sherloc (09022015). Collection method: clinical testing. Allele origin: germline.
Comment: This variant occurs in the SNORD118 gene, which encodes an RNA molecule that does not result in a protein product. This variant is present in population databases (no rsID available, gnomAD 0.0009%). This variant has not been reported in the literature in individuals affected with SNORD118-related conditions. Experimental studies and prediction algorithms are not available or were not evaluated, and the functional significance of this variant is currently unknown. In summary, the available evidence is currently insufficient to determine the role of this variant in disease. Therefore, it has been classified as a Variant of Uncertain Significance.